The following is an entry in ClinVar:

ClinVar aggregate classification (germline): Uncertain significance (1 of 4 stars; one submission).

Submission:

Women's Health and Genetics/Laboratory Corporation of America, LabCorp
Classification: Uncertain significance. Last evaluated: 2025-09-17. Review status: criteria provided, single submitter. Criteria: LabCorp Variant Classification Summary - May 2015. Collection method: clinical testing. Allele origin: germline.
Comment: Variant summary: ARPC4 c.74T>A (p.Phe25Tyr) results in a conservative amino acid change in the encoded protein sequence. Algorithms developed to predict the effect of missense changes on protein structure and function are either unavailable or do not agree on the potential impact of this missense change. The variant was absent in 249536 control chromosomes. The available data on variant occurrences in the general population are insufficient to allow any conclusion about variant significance. To our knowledge, no occurrence of c.74T>A in individuals affected with ARPC4-related conditions and no experimental evidence demonstrating its impact on protein function have been reported. No submitters have cited clinical-significance assessments for this variant to ClinVar. Based on the evidence outlined above, the variant was classified as uncertain significance.

NM_005718.5(ARPC4):c.74T>A (p.Phe25Tyr)

Genes: ARPC4 (actin related protein 2/3 complex subunit 4; plus strand), ARPC4-TTLL3 (ARPC4-TTLL3 readthrough; plus strand). Cytogenetic location: 3p25.3.
Variant type: single nucleotide variant.
Coding change: c.74T>A on transcript NM_005718.5 (MANE Select); coding-DNA position 74, T replaced by A.
Protein change: p.Phe25Tyr; replaces phenylalanine 25 with tyrosine.
Molecular consequence: missense variant. On other transcripts: 5 prime UTR variant (2).
Genome position (GRCh38, 1-based): chr3:9,797,729, T>A. VCF-style: chr3-9797729-T-A. GRCh37 (hg19) VCF-style: chr3-9839413-T-A.
Other names: c.74T>A, p.Phe25Tyr (NM_001198793.1); c.-197T>A (NM_001024959.3, NM_001024960.3); c.131T>A, p.Phe44Tyr (NM_001198780.3); short protein forms F25Y, F44Y.
Identifiers: ClinVar variation 4536148 (VCV004536148.1).